The following is an entry in ClinVar:

ClinVar aggregate classification (germline): Conflicting classifications of pathogenicity. Review status: criteria provided, conflicting classifications (1 of 4 stars). 3 submissions from 3 submitters: Uncertain significance (2); Likely benign (1). Last evaluated 2024-02-06.

Conditions:
Hypogonadotropic hypogonadism 5 with or without anosmia (KAL5). Also called: CHD7-Related GnRH Deficiency (Kallmann Syndrome 5); HYPOGONADOTROPIC HYPOGONADISM 5 WITH ANOSMIA; HYPOGONADOTROPHIC HYPOGONADISM 5 WITHOUT ANOSMIA. Identifiers: Orphanet 478, MedGen C3552553, MONDO:0012880, OMIM 612370. Disease mechanism: loss of function.
CHARGE syndrome (CHARGE). Also called: Hittner Hirsch Kreh syndrome; CHARGE ASSOCIATION--COLOBOMA, HEART ANOMALY, CHOANAL ATRESIA, RETARDATION, GENITAL AND EAR ANOMALIES; Coloboma, heart anomaly, choanal atresia, retardation, genital and ear anomalies; CHARGE association; Hall-Hittner syndrome. Identifiers: Orphanet 138, MedGen C0265354, MONDO:0008965.

Allele frequency attached by ClinVar (database versions not stated): gnomAD exomes below 0.00001; ExAC 0.00001; gnomAD 0.00001; TOPMed 0.00002.
gnomAD v4.1: 7 of 1,613,834 alleles (0.00043%); highest among the groups gnomAD compares: East Asian, 0.0022%; no homozygotes.

Submissions (3):

Fulgent Genetics
Classification: Uncertain significance for CHD7-related CHARGE syndrome; Hypogonadotropic hypogonadism 5 with or without anosmia. Last evaluated: 2024-02-06. Review status: criteria provided, single submitter. Criteria: ACMG Guidelines, 2015. Collection method: clinical testing. Allele origin: germline.

GeneDx
Classification: Uncertain significance. Last evaluated: 2023-11-16. Review status: criteria provided, single submitter. Criteria: GeneDx Variant Classification Process June 2021. Collection method: clinical testing. Allele origin: germline. Affected: yes.
Comment: Not observed at significant frequency in large population cohorts (gnomAD); In silico analysis supports that this missense variant has a deleterious effect on protein structure/function; Has not been previously published as pathogenic or benign to our knowledge

Labcorp Genetics (formerly Invitae), Labcorp
Classification: Likely benign for CHARGE syndrome. Last evaluated: 2023-06-03. Review status: criteria provided, single submitter. Criteria: Invitae Variant Classification Sherloc (09022015). Collection method: clinical testing. Allele origin: germline.

NM_017780.4(CHD7):c.4028A>G (p.Asn1343Ser)

Gene: CHD7 (chromodomain helicase DNA binding protein 7; plus strand). Cytogenetic location: 8q12.2.
Variant type: single nucleotide variant.
Coding change: c.4028A>G on transcript NM_017780.4 (MANE Select); coding-DNA position 4028, A replaced by G.
Protein change: p.Asn1343Ser; replaces asparagine 1343 with serine.
Molecular consequence: missense variant. On other transcripts: intron variant (1).
Genome position (GRCh38, 1-based): chr8:60,836,855, A>G. VCF-style: chr8-60836855-A-G. GRCh37 (hg19) VCF-style: chr8-61749414-A-G.
Other names: c.1717-25374A>G (NM_001316690.1); short protein forms N1343S.
Identifiers: ClinVar variation 1984093 (VCV001984093.6), dbSNP rs778797882, ClinGen allele CA4760080.